The following is an entry in ClinVar:

ClinVar aggregate classification (germline): Uncertain significance. Review status: criteria provided, multiple submitters, no conflicts (2 of 4 stars). 5 submissions from 5 submitters: Uncertain significance (5). Last evaluated 2025-01-06.

Conditions:
Wolfram syndrome 1 (WFS1). Identifiers: Orphanet 3463, MedGen C4551693, MONDO:0009101, OMIM 222300.
Cataract 41 (CTRCT41). Also called: CATARACT 41, CONGENITAL NUCLEAR TYPE. Identifiers: Orphanet 91492, Orphanet 98991, Orphanet 98992, Orphanet 98995, MedGen C3805412, MONDO:0007287, OMIM 116400.
Wolfram-like syndrome. Also called: HEARING LOSS, PROGRESSIVE, WITH OPTIC ATROPHY AND/OR IMPAIRED GLUCOSE REGULATION. Identifiers: Orphanet 411590, MedGen C3280358, MONDO:0013673, OMIM 614296.
Autosomal dominant nonsyndromic hearing loss 6 (LFSNHL). Also called: DEAFNESS, AUTOSOMAL DOMINANT 14; DEAFNESS, AUTOSOMAL DOMINANT 38; DEAFNESS, AUTOSOMAL DOMINANT 6; Autosomal dominant nonsyndromic deafness 6. Identifiers: Orphanet 90635, MedGen C1833021, MONDO:0010963, OMIM 600965.
Type 2 diabetes mellitus. Also called: Type II diabetes mellitus. Identifiers: MedGen C0011860, MeSH D003924, MONDO:0005148, OMIM 125853, HP:0005978.

Allele frequency attached by ClinVar (database versions not stated): gnomAD 0.00002 and 0.00003; TOPMed 0.00002; ExAC 0.00003.
gnomAD v4.1: 34 of 1,613,570 alleles (0.0021%); highest among the groups gnomAD compares: Non-Finnish European, 0.0027%; no homozygotes.

Submissions (5):

GeneDx
Classification: Uncertain significance. Last evaluated: 2025-01-06. Review status: criteria provided, single submitter. Criteria: GeneDx Variant Classification Process June 2021. Collection method: clinical testing. Allele origin: germline. Affected: yes.
Comment: In silico analysis indicates that this missense variant does not alter protein structure/function; Has not been previously published as pathogenic or benign to our knowledge

Labcorp Genetics (formerly Invitae), Labcorp
Classification: Uncertain significance. Last evaluated: 2024-12-12. Review status: criteria provided, single submitter. Criteria: Invitae Variant Classification Sherloc (09022015). Collection method: clinical testing. Allele origin: germline.
Comment: This sequence change replaces leucine, which is neutral and non-polar, with valine, which is neutral and non-polar, at codon 573 of the WFS1 protein (p.Leu573Val). This variant is present in population databases (rs749172015, gnomAD 0.005%). This variant has not been reported in the literature in individuals affected with WFS1-related conditions. ClinVar contains an entry for this variant (Variation ID: 546243). Invitae Evidence Modeling of protein sequence and biophysical properties (such as structural, functional, and spatial information, amino acid conservation, physicochemical variation, residue mobility, and thermodynamic stability) indicates that this missense variant is not expected to disrupt WFS1 protein function with a negative predictive value of 80%. In summary, the available evidence is currently insufficient to determine the role of this variant in disease. Therefore, it has been classified as a Variant of Uncertain Significance.

Blueprint Genetics
Classification: Uncertain significance. Last evaluated: 2024-04-18. Review status: criteria provided, single submitter. Criteria: ACMG Guidelines, 2015. Collection method: clinical testing. Allele origin: germline.

Fulgent Genetics
Classification: Uncertain significance for Cataract 41; Type 2 diabetes mellitus; Wolfram syndrome 1; Autosomal dominant nonsyndromic hearing loss 6; Wolfram-like syndrome. Last evaluated: 2022-02-02. Review status: criteria provided, single submitter. Criteria: ACMG Guidelines, 2015. Collection method: clinical testing. Allele origin: unknown.

Clinical Genomics, Uppaluri K&H Personalized Medicine Clinic
Classification: Uncertain significance for Wolfram syndrome 1. Review status: criteria provided, single submitter. Criteria: K & H Uppaluri Personalized Medicine Clinic Variant Classification & Assertion Criteria_Updated V.1. Collection method: research. Allele origin: unknown. Inheritance: Autosomal recessive inheritance.
Comment: Potent mutations in WFS1 gene are associated with Wolfram's syndrome, an autosomal recessive condition, which cause diabetes mellitus, diabetes insipidus, deafness and optic atrophy. However no sufficient evidence is found to ascertain the role of this particular variant rs749172015 in Wolfram's syndrome yet.

Literature cited by the submitters: PubMed 20738327 (cited by Clinical Genomics, Uppaluri K&H Personalized Medicine Clinic); PubMed 33879153 (cited by Clinical Genomics, Uppaluri K&H Personalized Medicine Clinic); PubMed 12955714 (cited by Clinical Genomics, Uppaluri K&H Personalized Medicine Clinic); PubMed 18060660 (cited by Clinical Genomics, Uppaluri K&H Personalized Medicine Clinic); PubMed 20301750 (cited by Clinical Genomics, Uppaluri K&H Personalized Medicine Clinic); PubMed 17603484 (cited by Clinical Genomics, Uppaluri K&H Personalized Medicine Clinic).

NM_006005.3(WFS1):c.1717C>G (p.Leu573Val)

Gene: WFS1 (wolframin ER transmembrane glycoprotein; plus strand). Cytogenetic location: 4p16.1.
Variant type: single nucleotide variant.
Coding change: c.1717C>G on transcript NM_006005.3 (MANE Select); coding-DNA position 1717, C replaced by G.
Protein change: p.Leu573Val; replaces leucine 573 with valine.
Molecular consequence: missense variant.
Genome position (GRCh38, 1-based): chr4:6,301,512, C>G. VCF-style: chr4-6301512-C-G. GRCh37 (hg19) VCF-style: chr4-6303239-C-G.
Other names: c.1717C>G, p.Leu573Val (NM_001145853.1); short protein forms L573V.
Identifiers: ClinVar variation 546243 (VCV000546243.14), dbSNP rs749172015, ClinGen allele CA2839456.